The following is an entry in ClinVar:

NM_002529.4(NTRK1):c.1948G>C (p.Asp650His)

Gene: NTRK1 (neurotrophic receptor tyrosine kinase 1; plus strand). Cytogenetic location: 1q23.1.
Variant type: single nucleotide variant.
Coding change: c.1948G>C on transcript NM_002529.4 (MANE Select); coding-DNA position 1948, G replaced by C.
Protein change: p.Asp650His; replaces aspartic acid 650 with histidine.
Molecular consequence: missense variant.
Genome position (GRCh38, 1-based): chr1:156,879,264, G>C. VCF-style: chr1-156879264-G-C. GRCh37 (hg19) VCF-style: chr1-156849056-G-C.
Other names: c.1840G>C, p.Asp614His (NM_001007792.1); c.1930G>C, p.Asp644His (NM_001012331.2); short protein forms D614H, D644H, D650H.
Identifiers: ClinVar variation 3775754 (VCV003775754.1).

ClinVar aggregate classification (germline): Uncertain significance (1 of 4 stars; one submission).

Conditions:
Hereditary insensitivity to pain with anhidrosis (CIPA). Also called: hereditary sensory and autonomic neuropathy type 4; INSENSITIVITY TO PAIN, CONGENITAL, WITH ANHIDROSIS; NEUROPATHY, CONGENITAL SENSORY, WITH ANHIDROSIS; HSAN Type IV; NTRK1 Congenital Insensitivity to Pain with Anhidrosis; FAMILIAL DYSAUTONOMIA, TYPE II. Identifiers: Orphanet 642, MedGen C0020074, MONDO:0009746, OMIM 256800.

Submission:

3billion
Classification: Uncertain significance for Hereditary insensitivity to pain with anhidrosis. Last evaluated: 2023-10-25. Review status: criteria provided, single submitter. Criteria: ACMG Guidelines, 2015. Collection method: clinical testing. Allele origin: germline. Affected: yes.
Comment: The variant is not observed in the gnomAD v2.1.1 dataset. Predicted Consequence/Location: Missense variant In silico tool predictions suggest damaging effect of the variant on gene or gene product [REVEL: 0.96 (>=0.6, sensitivity 0.68 and specificity 0.92); 3Cnet: 0.77 (>=0.6, sensitivity 0.72 and precision 0.9)]. Therefore, this variant is classified as VUS according to the recommendation of ACMG/AMP guideline.